The following is an entry in ClinVar:

NM_018136.5(ASPM):c.10369del (p.Glu3457fs)

Gene: ASPM (assembly factor for spindle microtubules; minus strand). Cytogenetic location: 1q31.3.
Variant type: Deletion.
Coding change: c.10369del on transcript NM_018136.5 (MANE Select); coding-DNA position 10369, one base deleted (G; older notation c.10369delG).
Protein change: p.Glu3457fs; shifts the reading frame from glutamic acid 3457.
Molecular consequence: frameshift variant.
Genome position (GRCh38, 1-based): chr1:197,084,389, C deleted on the plus strand (G on the coding strand, the reverse complement: ASPM is on the minus strand); the first of 2 consecutive C bases (chr1:197,084,389-197,084,390); deleting either gives the same sequence. VCF-style (leftmost placement, unchanged base first): chr1-197084388-TC-T. GRCh37 (hg19) VCF-style: chr1-197053518-TC-T.
Other names: c.5614del, p.Glu1872fs (NM_001206846.2); short protein forms E1872fs, E3457fs.
Identifiers: ClinVar variation 1697199 (VCV001697199.2), dbSNP rs773107901, ClinGen allele CA1308715.
Genomic context (GRCh38, chr1:197,084,388, plus strand): 5'-TAAGGAATGCCAAGCGTATCCATCACCATTTGAATAGCTTGCAGGGGATTTGTGATTTCT[TC>T]CATGTTATCTCTTCTCAAAACCCAATCTGGCTTAAGTCTGTTAAAAAAAAAAAAAAAGTC-3'

ClinVar aggregate classification (germline): Uncertain significance (1 of 4 stars; one submission).

Submission:

GeneDx
Classification: Uncertain significance. Last evaluated: 2022-01-12. Review status: criteria provided, single submitter. Criteria: GeneDx Variant Classification Process June 2021. Collection method: clinical testing. Allele origin: germline. Affected: yes.
Comment: Frameshift variant predicted to result in protein truncation as the last 21 amino acids are replaced with 12 different amino acids, although loss-of-function variants have not been reported downstream of this position in the protein; This variant is associated with the following publications: (PMID: 29243349)